The following is an entry in ClinVar:

ClinVar aggregate classification (germline): Likely benign. Review status: criteria provided, multiple submitters, no conflicts (2 of 4 stars). 2 submissions from 2 submitters: Likely benign (2). Last evaluated 2025-10-19.

Conditions:
LRP5-related disorder. Also called: LRP5-related condition.

Allele frequency attached by ClinVar (database versions not stated): gnomAD 0.00002 and 0.00003; gnomAD exomes 0.00002 and 0.00008; TOPMed 0.00002; ExAC 0.00003.
gnomAD v4.1: 124 of 1,609,514 alleles (0.0077%); highest among the groups gnomAD compares: South Asian, 0.015%; no homozygotes.

Submissions (2):

PreventionGenetics, part of Exact Sciences
Classification: Likely benign for LRP5-related condition. Last evaluated: 2025-10-19. Review status: criteria provided, single submitter. Criteria: ACMG Guidelines, 2015. Collection method: clinical testing. Allele origin: germline.
Comment: This variant is classified as likely benign based on ACMG/AMP sequence variant interpretation guidelines (Richards et al. 2015 PMID: 25741868, with internal and published modifications).

Labcorp Genetics (formerly Invitae), Labcorp
Classification: Likely benign. Last evaluated: 2024-08-23. Review status: criteria provided, single submitter. Criteria: Invitae Variant Classification Sherloc (09022015). Collection method: clinical testing. Allele origin: germline.

NM_002335.4(LRP5):c.3428-4G>T

Gene: LRP5 (LDL receptor related protein 5; plus strand). Cytogenetic location: 11q13.2.
Variant type: single nucleotide variant.
Coding change: c.3428-4G>T on transcript NM_002335.4 (MANE Select); 4 bases into the intron before coding-DNA position 3428, G replaced by T.
Molecular consequence: intron variant.
Genome position (GRCh38, 1-based): chr11:68,425,974, G>T. VCF-style: chr11-68425974-G-T. GRCh37 (hg19) VCF-style: chr11-68193442-G-T.
Other names: c.1685-4G>T (NM_001291902.2); c.3428-4G>T (NM_002335.3).
Identifiers: ClinVar variation 1085325 (VCV001085325.10), dbSNP rs753816859, ClinGen allele CA6149996.